The following is an entry in ClinVar:

NM_000218.3(KCNQ1):c.1394-9617C>T

Genes: KCNQ1 (potassium voltage-gated channel subfamily Q member 1; plus strand), KCNQ1OT1 (KCNQ1 opposite strand/antisense transcript 1; minus strand). Cytogenetic location: 11p15.5.
Variant type: single nucleotide variant.
Coding change: c.1394-9617C>T on transcript NM_000218.3 (MANE Select); 9617 bases into the intron before coding-DNA position 1394, C replaced by T.
Molecular consequence: intron variant. On other transcripts: non-coding transcript variant (1).
Genome position (GRCh38, 1-based): chr11:2,652,344, C>T. VCF-style: chr11-2652344-C-T. GRCh37 (hg19) VCF-style: chr11-2673574-C-T.
Other names: c.1124-9617C>T (NM_001406837.1); c.1298-9617C>T (NM_001406836.1); c.854-9617C>T (NM_001406838.1); c.1013-9617C>T (NM_181798.2).
Identifiers: ClinVar variation 3036755 (VCV003036755.2), dbSNP rs184744391, ClinGen allele CA216164036.

ClinVar aggregate classification (germline): Likely benign (0 of 4 stars; one submission).

Conditions:
KCNQ1-related disorder. Also called: KCNQ1-related condition; KCNQ1-related disorders. Identifiers: MedGen CN239322.

Allele frequency attached by ClinVar (database versions not stated): gnomAD exomes 0.00017; gnomAD 0.00082; 1000 Genomes Project 0.00100; TOPMed 0.00104; 1000 Genomes Project 30x 0.00109.
gnomAD v4.1: 169 of 398,618 alleles (0.042%); highest among the groups gnomAD compares: African/African-American, 0.29%; no homozygotes.

Submission:

PreventionGenetics, part of Exact Sciences
Classification: Likely benign for KCNQ1-related condition. Last evaluated: 2023-01-03. Review status: no assertion criteria provided. Collection method: clinical testing. Allele origin: germline.
Comment: This variant is classified as likely benign based on ACMG/AMP sequence variant interpretation guidelines (Richards et al. 2015 PMID: 25741868, with internal and published modifications).